The following is an entry in ClinVar:

NM_003076.5(SMARCD1):c.331_339del (p.Val111_Gln113del)

Gene: SMARCD1 (SWI/SNF related BAF chromatin remodeling complex subunit D1; plus strand). Cytogenetic location: 12q13.12.
Variant type: Deletion.
Coding change: c.331_339del on transcript NM_003076.5 (MANE Select); coding-DNA positions 331 to 339, 9 bases deleted (GTCCAGCAG; older notation c.331_339delGTCCAGCAG).
Protein change: p.Val111_Gln113del.
Molecular consequence: inframe deletion.
Genome position (GRCh38, 1-based): chr12:50,086,314-50,086,322, GTCCAGCAG deleted; deleting any 9 consecutive bases within chr12:50,086,306-50,086,322 gives the same sequence; the c. name uses the placement nearest the transcript's 3' end. VCF-style (leftmost placement, unchanged base first): chr12-50086305-ATCCAGCAGG-A. GRCh37 (hg19) VCF-style: chr12-50480088-ATCCAGCAGG-A.
Other names: c.331_339del, p.Val111_Gln113del (NM_139071.3).
Identifiers: ClinVar variation 3392928 (VCV003392928.1).

ClinVar aggregate classification (germline): Uncertain significance (1 of 4 stars; one submission).

Submission:

GeneDx
Classification: Uncertain significance. Last evaluated: 2024-06-29. Review status: criteria provided, single submitter. Criteria: GeneDx Variant Classification Process June 2021. Collection method: clinical testing. Allele origin: germline. Affected: yes.
Comment: Not observed at significant frequency in large population cohorts (gnomAD); In-frame deletion of 3 amino acids in a non-repeat region; Has not been previously published as pathogenic or benign to our knowledge